The following is an entry in ClinVar:

NM_006766.5(KAT6A):c.5132T>G (p.Phe1711Cys)

Gene: KAT6A (lysine acetyltransferase 6A; minus strand). Cytogenetic location: 8p11.21.
Variant type: single nucleotide variant.
Coding change: c.5132T>G on transcript NM_006766.5 (MANE Select); coding-DNA position 5132, T replaced by G.
Protein change: p.Phe1711Cys; replaces phenylalanine 1711 with cysteine.
Molecular consequence: missense variant.
Genome position (GRCh38, 1-based): chr8:41,933,088, A>C on the plus strand (T>G on the coding strand, the complement: KAT6A is on the minus strand). VCF-style: chr8-41933088-A-C. GRCh37 (hg19) VCF-style: chr8-41790606-A-C.
Other names: c.5132T>G (NM_006766.3); short protein forms F1711C.
Identifiers: ClinVar variation 1716238 (VCV001716238.6), dbSNP rs2486752473, ClinGen allele CA371063578.

ClinVar aggregate classification (germline): Uncertain significance. Review status: criteria provided, multiple submitters, no conflicts (2 of 4 stars). 2 submissions from 2 submitters: Uncertain significance (2). Last evaluated 2024-09-20.

Submissions (2):

GeneDx
Classification: Uncertain significance. Last evaluated: 2024-09-20. Review status: criteria provided, single submitter. Criteria: GeneDx Variant Classification Process June 2021. Collection method: clinical testing. Allele origin: germline. Affected: yes.
Comment: Not observed at significant frequency in large population cohorts (gnomAD); In silico analysis supports that this missense variant has a deleterious effect on protein structure/function; Has not been previously published as pathogenic or benign to our knowledge

Labcorp Genetics (formerly Invitae), Labcorp
Classification: Uncertain significance. Last evaluated: 2022-08-12. Review status: criteria provided, single submitter. Criteria: Invitae Variant Classification Sherloc (09022015). Collection method: clinical testing. Allele origin: germline.
Comment: This sequence change replaces phenylalanine, which is neutral and non-polar, with cysteine, which is neutral and slightly polar, at codon 1711 of the KAT6A protein (p.Phe1711Cys). This variant is not present in population databases (gnomAD no frequency). This variant has not been reported in the literature in individuals affected with KAT6A-related conditions. Algorithms developed to predict the effect of missense changes on protein structure and function are either unavailable or do not agree on the potential impact of this missense change (SIFT: "Tolerated"; PolyPhen-2: "Not Available"; Align-GVGD: "Class C0"). In summary, the available evidence is currently insufficient to determine the role of this variant in disease. Therefore, it has been classified as a Variant of Uncertain Significance.